The following is an entry in ClinVar:

NM_020529.3(NFKBIA):c.894C>T (p.Phe298=)

Gene: NFKBIA (NFKB inhibitor alpha; minus strand). Cytogenetic location: 14q13.2.
Variant type: single nucleotide variant.
Coding change: c.894C>T on transcript NM_020529.3 (MANE Select); coding-DNA position 894, C replaced by T.
Protein change: p.Phe298=; no amino-acid change (phenylalanine 298 retained).
Molecular consequence: synonymous variant.
Genome position (GRCh38, 1-based): chr14:35,402,406, G>A on the plus strand (C>T on the coding strand, the complement: NFKBIA is on the minus strand). VCF-style: chr14-35402406-G-A. GRCh37 (hg19) VCF-style: chr14-35871612-G-A.
Identifiers: ClinVar variation 313109 (VCV000313109.13), dbSNP rs777020702, ClinGen allele CA7155342.

ClinVar aggregate classification (germline): Benign/Likely benign. Review status: criteria provided, multiple submitters, no conflicts (2 of 4 stars). 3 submissions from 3 submitters: Benign (1); Likely benign (2). Last evaluated 2025-09-08.

Conditions:
Ectodermal dysplasia and immunodeficiency 2. Identifiers: Orphanet 238468, Orphanet 98813, MedGen C2677481, MONDO:0012806, OMIM 612132.

Allele frequency attached by ClinVar (database versions not stated): gnomAD 0.00001; TOPMed 0.00001; gnomAD exomes 0.00003 and 0.00006; ExAC 0.00006.
gnomAD v4.1: 48 of 1,613,964 alleles (0.003%); highest among the groups gnomAD compares: South Asian, 0.051%; no homozygotes.

Submissions (3):

Labcorp Genetics (formerly Invitae), Labcorp
Classification: Likely benign for Ectodermal dysplasia and immunodeficiency 2. Last evaluated: 2025-09-08. Review status: criteria provided, single submitter. Criteria: Invitae Variant Classification Sherloc (09022015). Collection method: clinical testing. Allele origin: germline.

Blueprint Genetics
Classification: Likely benign. Last evaluated: 2022-07-08. Review status: criteria provided, single submitter. Criteria: ACMG Guidelines, 2015. Collection method: clinical testing. Allele origin: germline.

Illumina Laboratory Services, Illumina
Classification: Benign for Ectodermal dysplasia and immunodeficiency 2. Last evaluated: 2018-01-12. Review status: criteria provided, single submitter. Criteria: ICSL Variant Classification Criteria 13 December 2019. Collection method: clinical testing. Allele origin: germline.
Comment: This variant was observed in the ICSL laboratory as part of a predisposition screen in an ostensibly healthy population. It had not been previously curated by ICSL or reported in the Human Gene Mutation Database (HGMD: prior to June 1st, 2018), and was therefore a candidate for classification through an automated scoring system. Utilizing variant allele frequency, disease prevalence and penetrance estimates, and inheritance mode, an automated score was calculated to assess if this variant is too frequent to cause the disease. Based on the score and internal cut-off values, a variant classified as benign is not then subjected to further curation. The score for this variant resulted in a classification of benign for this disease.